The following is an entry in ClinVar:

NM_001556.3(IKBKB):c.467G>C (p.Gly156Ala)

Gene: IKBKB (inhibitor of nuclear factor kappa B kinase subunit beta; plus strand). Cytogenetic location: 8p11.21.
Variant type: single nucleotide variant.
Coding change: c.467G>C on transcript NM_001556.3 (MANE Select); coding-DNA position 467, G replaced by C.
Protein change: p.Gly156Ala; replaces glycine 156 with alanine.
Molecular consequence: missense variant. On other transcripts: non-coding transcript variant (3).
Genome position (GRCh38, 1-based): chr8:42,305,265, G>C. VCF-style: chr8-42305265-G-C. GRCh37 (hg19) VCF-style: chr8-42162783-G-C.
Other names: c.275G>C, p.Gly92Ala (NM_001190720.3); c.290G>C, p.Gly97Ala (NM_001242778.2); short protein forms G156A, G92A, G97A.
Identifiers: ClinVar variation 1716932 (VCV001716932.6), dbSNP rs2487503519, ClinGen allele CA371094499.

ClinVar aggregate classification (germline): Uncertain significance (1 of 4 stars; one submission).

Conditions:
Severe combined immunodeficiency due to IKK2 deficiency. Also called: IMMUNODEFICIENCY 15B; Immunodeficiency 15. Identifiers: Orphanet 397787, MedGen C4747743, MONDO:0014267, OMIM 615592.

Submission:

Labcorp Genetics (formerly Invitae), Labcorp
Classification: Uncertain significance for Severe combined immunodeficiency due to IKK2 deficiency. Last evaluated: 2024-11-03. Review status: criteria provided, single submitter. Criteria: Invitae Variant Classification Sherloc (09022015). Collection method: clinical testing. Allele origin: germline.
Comment: This sequence change replaces glycine, which is neutral and non-polar, with alanine, which is neutral and non-polar, at codon 156 of the IKBKB protein (p.Gly156Ala). This variant is not present in population databases (gnomAD no frequency). This variant has not been reported in the literature in individuals affected with IKBKB-related conditions. ClinVar contains an entry for this variant (Variation ID: 1716932). Invitae Evidence Modeling of protein sequence and biophysical properties (such as structural, functional, and spatial information, amino acid conservation, physicochemical variation, residue mobility, and thermodynamic stability) indicates that this missense variant is not expected to disrupt IKBKB protein function with a negative predictive value of 95%. In summary, the available evidence is currently insufficient to determine the role of this variant in disease. Therefore, it has been classified as a Variant of Uncertain Significance.